The following is an entry in ClinVar:

NM_006415.4(SPTLC1):c.907A>T (p.Ile303Phe)

Gene: SPTLC1 (serine palmitoyltransferase long chain base subunit 1; minus strand). Cytogenetic location: 9q22.31.
Variant type: single nucleotide variant.
Coding change: c.907A>T on transcript NM_006415.4 (MANE Select); coding-DNA position 907, A replaced by T.
Protein change: p.Ile303Phe; replaces isoleucine 303 with phenylalanine.
Molecular consequence: missense variant.
Genome position (GRCh38, 1-based): chr9:92,047,690, T>A on the plus strand (A>T on the coding strand, the complement: SPTLC1 is on the minus strand). VCF-style: chr9-92047690-T-A. GRCh37 (hg19) VCF-style: chr9-94809972-T-A.
Other names: c.907A>T, p.Ile303Phe (NM_001281303.2); c.541A>T, p.Ile181Phe (NM_001368272.1); c.442A>T, p.Ile148Phe (NM_001368273.1); short protein forms I148F, I303F, I181F.
Identifiers: ClinVar variation 1431958 (VCV001431958.6), dbSNP rs775359105, ClinGen allele CA5121386.

ClinVar aggregate classification (germline): Uncertain significance (1 of 4 stars; one submission).

Conditions:
Hereditary sensory and autonomic neuropathy type 1 (HSAN1). Also called: HSAN 1; HSN Type I; Hereditary Sensory Neuropathy Type I. Identifiers: Orphanet 36386, MedGen C0020071, MONDO:0018213.

Allele frequency attached by ClinVar (database versions not stated): gnomAD exomes 0.00001 and 0.00002; TOPMed below 0.00001; ExAC 0.00002.
gnomAD v4.1: 7 of 1,612,570 alleles (0.00043%); highest among the groups gnomAD compares: Admixed American, 0.012%; no homozygotes.

Submission:

Labcorp Genetics (formerly Invitae), Labcorp
Classification: Uncertain significance for Hereditary sensory and autonomic neuropathy type 1. Last evaluated: 2024-01-31. Review status: criteria provided, single submitter. Criteria: Invitae Variant Classification Sherloc (09022015). Collection method: clinical testing. Allele origin: germline.
Comment: This sequence change replaces isoleucine, which is neutral and non-polar, with phenylalanine, which is neutral and non-polar, at codon 303 of the SPTLC1 protein (p.Ile303Phe). This variant is present in population databases (rs775359105, gnomAD 0.01%). This variant has not been reported in the literature in individuals affected with SPTLC1-related conditions. ClinVar contains an entry for this variant (Variation ID: 1431958). Advanced modeling of protein sequence and biophysical properties (such as structural, functional, and spatial information, amino acid conservation, physicochemical variation, residue mobility, and thermodynamic stability) performed at Invitae indicates that this missense variant is not expected to disrupt SPTLC1 protein function with a negative predictive value of 80%. In summary, the available evidence is currently insufficient to determine the role of this variant in disease. Therefore, it has been classified as a Variant of Uncertain Significance.